The following is an entry in ClinVar:

NM_002485.5(NBN):c.588T>G (p.Phe196Leu)

Gene: NBN (nibrin; minus strand). Cytogenetic location: 8q21.3.
Variant type: single nucleotide variant.
Coding change: c.588T>G on transcript NM_002485.5 (MANE Select); coding-DNA position 588, T replaced by G.
Protein change: p.Phe196Leu; replaces phenylalanine 196 with leucine.
Molecular consequence: missense variant.
Genome position (GRCh38, 1-based): chr8:89,971,287, A>C on the plus strand (T>G on the coding strand, the complement: NBN is on the minus strand). VCF-style: chr8-89971287-A-C. GRCh37 (hg19) VCF-style: chr8-90983515-A-C.
Other names: c.342T>G, p.Phe114Leu (NM_001024688.3); short protein forms F114L, F196L.
Identifiers: ClinVar variation 3877895 (VCV003877895.1).

ClinVar aggregate classification (germline): Uncertain significance (1 of 4 stars; one submission).

Conditions:
Hereditary cancer-predisposing syndrome. Also called: Tumor predisposition; Neoplastic Syndromes, Hereditary; Hereditary Cancer Syndrome; Hereditary neoplastic syndrome. Identifiers: Orphanet 140162, MedGen C0027672, MeSH D009386, MONDO:0015356.

Submission:

Ambry Genetics
Classification: Uncertain significance for Hereditary cancer-predisposing syndrome. Last evaluated: 2025-01-05. Review status: criteria provided, single submitter. Criteria: Ambry Variant Classification Scheme 2023. Collection method: clinical testing. Allele origin: germline.
Comment: The p.F196L variant (also known as c.588T>G), located in coding exon 6 of the NBN gene, results from a T to G substitution at nucleotide position 588. The phenylalanine at codon 196 is replaced by leucine, an amino acid with highly similar properties. This amino acid position is conserved. In addition, this alteration is predicted to be deleterious by in silico analysis. Based on the available evidence, the clinical significance of this variant remains unclear.